The following is an entry in ClinVar:

ClinVar aggregate classification (germline): Uncertain significance (1 of 4 stars; one submission).

Conditions:
Hereditary cancer-predisposing syndrome. Also called: Neoplastic Syndromes, Hereditary; Tumor predisposition; Hereditary Cancer Syndrome; Hereditary neoplastic syndrome. Identifiers: Orphanet 140162, MedGen C0027672, MeSH D009386, MONDO:0015356.

Submission:

Ambry Genetics
Classification: Uncertain significance for Hereditary cancer-predisposing syndrome. Last evaluated: 2022-07-19. Review status: criteria provided, single submitter. Criteria: Ambry Variant Classification Scheme 2023. Collection method: clinical testing. Allele origin: germline.
Comment: The p.I620T variant (also known as c.1859T>C), located in coding exon 12 of the NBN gene, results from a T to C substitution at nucleotide position 1859. The isoleucine at codon 620 is replaced by threonine, an amino acid with similar properties. This amino acid position is conserved. In addition, this alteration is predicted to be tolerated by in silico analysis. Since supporting evidence is limited at this time, the clinical significance of this alteration remains unclear.

NM_002485.5(NBN):c.1859T>C (p.Ile620Thr)

Genes: NBN (nibrin; minus strand), LOC126860438 (MED14-independent group 3 enhancer GRCh37_chr8:90959982-90961181; plus strand). Cytogenetic location: 8q21.3.
Variant type: single nucleotide variant.
Coding change: c.1859T>C on transcript NM_002485.5 (MANE Select); coding-DNA position 1859, T replaced by C.
Protein change: p.Ile620Thr; replaces isoleucine 620 with threonine.
Molecular consequence: missense variant.
Genome position (GRCh38, 1-based): chr8:89,947,879, A>G on the plus strand (T>C on the coding strand, the complement: NBN is on the minus strand). VCF-style: chr8-89947879-A-G. GRCh37 (hg19) VCF-style: chr8-90960107-A-G.
Other names: c.1613T>C, p.Ile538Thr (NM_001024688.3); short protein forms I538T, I620T.
Identifiers: ClinVar variation 1781464 (VCV001781464.2), dbSNP rs2488209782, ClinGen allele CA371677294.